The following is an entry in ClinVar:

NM_001243279.3(ACSF3):c.408T>A (p.Tyr136Ter)

Gene: ACSF3 (acyl-CoA synthetase family member 3; plus strand). Cytogenetic location: 16q24.3.
Variant type: single nucleotide variant.
Coding change: c.408T>A on transcript NM_001243279.3 (MANE Select); coding-DNA position 408, T replaced by A.
Protein change: p.Tyr136Ter; replaces tyrosine 136 with a stop codon.
Molecular consequence: nonsense. On other transcripts: non-coding transcript variant (3), intron variant (1).
Genome position (GRCh38, 1-based): chr16:89,101,089, T>A. VCF-style: chr16-89101089-T-A. GRCh37 (hg19) VCF-style: chr16-89167497-T-A.
Other names: c.408T>A, p.Tyr136Ter (NM_001127214.4, NM_174917.5); c.-129-1515T>A (NM_001284316.2); short protein forms Y136*.
Identifiers: ClinVar variation 1400260 (VCV001400260.8), dbSNP rs1313088429, ClinGen allele CA397134279.
Genomic context (GRCh38, chr16:89,101,089, plus strand): 5'-GATGAGTGGCGGTGTGGCAGTCCCCCTCTACAGGAAGCATCCCGCGGCCCAGCTGGAGTA[T>A]GTCATCTGCGACTCCCAGAGCTCTGTGGTCCTTGCCAGCCAGGAGTACCTGGAGCTCCTG-3'

ClinVar aggregate classification (germline): Pathogenic/Likely pathogenic. Review status: criteria provided, multiple submitters, no conflicts (2 of 4 stars). 3 submissions from 3 submitters: Pathogenic (1); Likely pathogenic (2). Last evaluated 2024-02-08.

Conditions:
Combined malonic and methylmalonic acidemia. Identifiers: Orphanet 289504, MedGen C3280314, MONDO:0013661, OMIM 614265.

Allele frequency attached by ClinVar (database versions not stated): gnomAD exomes 0.00001.
gnomAD v4.1: 13 of 1,614,046 alleles (0.00081%); highest among the groups gnomAD compares: Non-Finnish European, 0.0011%; no homozygotes.

Submissions (3):

Fulgent Genetics
Classification: Likely pathogenic for Combined malonic and methylmalonic acidemia. Last evaluated: 2024-02-08. Review status: criteria provided, single submitter. Criteria: ACMG Guidelines, 2015. Collection method: clinical testing. Allele origin: germline.

Baylor Genetics
Classification: Likely pathogenic for Combined malonic and methylmalonic acidemia. Last evaluated: 2023-05-10. Review status: criteria provided, single submitter. Criteria: ACMG Guidelines, 2015. Collection method: clinical testing. Allele origin: unknown.

Labcorp Genetics (formerly Invitae), Labcorp
Classification: Pathogenic for Combined malonic and methylmalonic acidemia. Last evaluated: 2022-03-18. Review status: criteria provided, single submitter. Criteria: Invitae Variant Classification Sherloc (09022015). Collection method: clinical testing. Allele origin: germline.
Comment: This sequence change creates a premature translational stop signal (p.Tyr136*) in the ACSF3 gene. It is expected to result in an absent or disrupted protein product. Loss-of-function variants in ACSF3 are known to be pathogenic (PMID: 21841779, 26827111). For these reasons, this variant has been classified as Pathogenic. Algorithms developed to predict the effect of sequence changes on RNA splicing suggest that this variant may create or strengthen a splice site. This variant has not been reported in the literature in individuals affected with ACSF3-related conditions. This variant is present in population databases (no rsID available, gnomAD 0.002%).

Literature cited by the submitters: PubMed 21841779 (cited by Labcorp Genetics (formerly Invitae), Labcorp); PubMed 26827111 (cited by Labcorp Genetics (formerly Invitae), Labcorp).